The following is an entry in ClinVar:

NM_018699.4(PRDM5):c.128G>C (p.Arg43Thr)

Gene: PRDM5 (PR/SET domain 5; minus strand). Cytogenetic location: 4q27.
Variant type: single nucleotide variant.
Coding change: c.128G>C on transcript NM_018699.4 (MANE Select); coding-DNA position 128, G replaced by C.
Protein change: p.Arg43Thr; replaces arginine 43 with threonine.
Molecular consequence: missense variant.
Genome position (GRCh38, 1-based): chr4:120,907,523, C>G on the plus strand (G>C on the coding strand, the complement: PRDM5 is on the minus strand). VCF-style: chr4-120907523-C-G. GRCh37 (hg19) VCF-style: chr4-121828678-C-G.
Other names: c.128G>C, p.Arg43Thr (NM_001300823.2, NM_001300824.2, NM_001379104.1 and 1 more transcripts); short protein forms R43T.
Identifiers: ClinVar variation 347454 (VCV000347454.13), dbSNP rs563401372, ClinGen allele CA3061494.

ClinVar aggregate classification (germline): Conflicting classifications of pathogenicity. Review status: criteria provided, conflicting classifications (1 of 4 stars). 4 submissions from 4 submitters: Uncertain significance (2); Likely benign (2). Last evaluated 2026-01-19.

Conditions:
Ehlers-Danlos syndrome (EDS). Identifiers: Orphanet 98249, MedGen C0013720, MONDO:0020066.

Allele frequency attached by ClinVar (database versions not stated): gnomAD below 0.00001 and 0.00004; TOPMed 0.00001; 1000 Genomes Project 0.00020; gnomAD exomes 0.00025; ExAC 0.00029; 1000 Genomes Project 30x 0.00047.
gnomAD v4.1: 236 of 1,613,014 alleles (0.015%); highest among the groups gnomAD compares: South Asian, 0.25%; 1 homozygote.

Submissions (4):

Labcorp Genetics (formerly Invitae), Labcorp
Classification: Likely benign. Last evaluated: 2026-01-19. Review status: criteria provided, single submitter. Criteria: Invitae Variant Classification Sherloc (09022015). Collection method: clinical testing. Allele origin: germline.

Women's Health and Genetics/Laboratory Corporation of America, LabCorp
Classification: Likely benign. Last evaluated: 2025-03-10. Review status: criteria provided, single submitter. Criteria: LabCorp Variant Classification Summary - May 2015. Collection method: clinical testing. Allele origin: germline.
Comment: Variant summary: PRDM5 c.128G>C (p.Arg43Thr) results in a non-conservative amino acid change in the encoded protein sequence. Three of five in-silico tools predict a damaging effect of the variant on protein function. The variant allele was found at a frequency of 0.00015 in 1613014 control chromosomes, predominantly at a frequency of 0.0025 within the South Asian subpopulation in the gnomAD database, including 1 homozygotes. The observed variant frequency within South Asian control individuals in the gnomAD database (v4) exceeds the estimated maximal expected allele frequency for a pathogenic variant in PRDM5 causing Brittle cornea syndrome 2 phenotype. To our knowledge, no occurrence of c.128G>C in individuals affected with Brittle cornea syndrome 2 and no experimental evidence demonstrating its impact on protein function have been reported. ClinVar contains an entry for this variant (Variation ID: 347454). Based on the evidence outlined above, the variant was classified as likely benign.

Blueprint Genetics
Classification: Uncertain significance. Last evaluated: 2024-11-21. Review status: criteria provided, single submitter. Criteria: ACMG Guidelines, 2015. Collection method: clinical testing. Allele origin: germline.

Genome Diagnostics Laboratory, The Hospital for Sick Children
Classification: Uncertain significance for Ehlers-Danlos syndrome. Last evaluated: 2021-06-23. Review status: criteria provided, single submitter. Criteria: ACMG Guidelines, 2015. Collection method: clinical testing. Allele origin: germline.